The following is an entry in ClinVar:

ClinVar aggregate classification (germline): Likely benign. Review status: criteria provided, single submitter (1 of 4 stars). 2 submissions from 2 submitters: Likely benign (1). 1 of the submissions does not count toward it. Last evaluated 2022-06-09.

Conditions:
MCM2-related disorder. Also called: MCM2-related condition.

Allele frequency attached by ClinVar (database versions not stated): gnomAD exomes 0.00001; gnomAD 0.00002; TOPMed 0.00004.
gnomAD v4.1: 11 of 1,614,092 alleles (0.00068%); highest among the groups gnomAD compares: African/African-American, 0.004%; no homozygotes.

Submissions (2):

Labcorp Genetics (formerly Invitae), Labcorp
Classification: Likely benign. Last evaluated: 2022-06-09. Review status: criteria provided, single submitter. Criteria: Invitae Variant Classification Sherloc (09022015). Collection method: clinical testing. Allele origin: germline.

PreventionGenetics, part of Exact Sciences
Classification: Likely benign for MCM2-related condition. Last evaluated: 2019-05-20. Review status: no assertion criteria provided. Collection method: clinical testing. Allele origin: germline. Not counted in ClinVar's aggregate classification.
Comment: This variant is classified as likely benign based on ACMG/AMP sequence variant interpretation guidelines (Richards et al. 2015 PMID: 25741868, with internal and published modifications).

NM_004526.4(MCM2):c.2169C>T (p.Tyr723=)

Gene: MCM2 (minichromosome maintenance complex component 2; plus strand). Cytogenetic location: 3q21.3.
Variant type: single nucleotide variant.
Coding change: c.2169C>T on transcript NM_004526.4 (MANE Select); coding-DNA position 2169, C replaced by T.
Protein change: p.Tyr723=; no amino-acid change (tyrosine 723 retained).
Molecular consequence: synonymous variant. On other transcripts: non-coding transcript variant (1).
Genome position (GRCh38, 1-based): chr3:127,619,182, C>T. VCF-style: chr3-127619182-C-T. GRCh37 (hg19) VCF-style: chr3-127338025-C-T.
Other names: c.2169C>T (NM_004526.3).
Identifiers: ClinVar variation 1665355 (VCV001665355.10), dbSNP rs945519966, ClinGen allele CA83321603.